The following is an entry in ClinVar:

ClinVar aggregate classification (germline): Uncertain significance. Review status: criteria provided, multiple submitters, no conflicts (2 of 4 stars). 2 submissions from 2 submitters: Uncertain significance (2). Last evaluated 2024-06-28.

Conditions:
Inborn genetic diseases. Identifiers: MedGen C0950123, MeSH D030342.

Allele frequency attached by ClinVar (database versions not stated): TOPMed 0.00003; gnomAD 0.00004; ExAC 0.00005; 1000 Genomes Project 0.00020; 1000 Genomes Project 30x 0.00031.
gnomAD v4.1: 60 of 1,611,446 alleles (0.0037%); highest among the groups gnomAD compares: Admixed American, 0.018%; no homozygotes.

Submissions (2):

Ambry Genetics
Classification: Uncertain significance for Inborn genetic diseases. Last evaluated: 2024-06-28. Review status: criteria provided, single submitter. Criteria: Ambry Variant Classification Scheme 2023. Collection method: clinical testing. Allele origin: germline.

Labcorp Genetics (formerly Invitae), Labcorp
Classification: Uncertain significance. Last evaluated: 2022-07-19. Review status: criteria provided, single submitter. Criteria: Invitae Variant Classification Sherloc (09022015). Collection method: clinical testing. Allele origin: germline.
Comment: This sequence change replaces valine, which is neutral and non-polar, with methionine, which is neutral and non-polar, at codon 1588 of the LAMA5 protein (p.Val1588Met). This variant is present in population databases (rs549356678, gnomAD 0.03%). This variant has not been reported in the literature in individuals affected with LAMA5-related conditions. Algorithms developed to predict the effect of missense changes on protein structure and function output the following: SIFT: "Deleterious"; PolyPhen-2: "Benign"; Align-GVGD: "Class C0". The methionine amino acid residue is found in multiple mammalian species, which suggests that this missense change does not adversely affect protein function. In summary, the available evidence is currently insufficient to determine the role of this variant in disease. Therefore, it has been classified as a Variant of Uncertain Significance.

NM_005560.6(LAMA5):c.4762G>A (p.Val1588Met)

Gene: LAMA5 (laminin subunit alpha 5; minus strand). Cytogenetic location: 20q13.33.
Variant type: single nucleotide variant.
Coding change: c.4762G>A on transcript NM_005560.6 (MANE Select); coding-DNA position 4762, G replaced by A.
Protein change: p.Val1588Met; replaces valine 1588 with methionine.
Molecular consequence: missense variant.
Genome position (GRCh38, 1-based): chr20:62,327,901, C>T on the plus strand (G>A on the coding strand, the complement: LAMA5 is on the minus strand). VCF-style: chr20-62327901-C-T. GRCh37 (hg19) VCF-style: chr20-60902957-C-T.
Other names: c.4762G>A (NM_005560.3); short protein forms V1588M.
Identifiers: ClinVar variation 2081879 (VCV002081879.2), dbSNP rs549356678, ClinGen allele CA9942489.
Genomic context (GRCh38, chr20:62,327,901, plus strand): 5'-AGATCTGGGCCCAGCCCTCACTCACCTTACAGTAGCACTGCCCTGTGAGGGGGTCACACA[C>T]GCCAGGCGCAGTGCCCGCCTCGTGACAGTCACAGGGGCGGCAGCGGGGGTAGCCATGGAA-3'
Protein context (NP_005551.3, residues 1578-1598): DCHEAGTAPG[Val1588Met]CDPLTGQCYC